The following is an entry in ClinVar:

ClinVar aggregate classification (germline): Conflicting classifications of pathogenicity. Review status: criteria provided, conflicting classifications (1 of 4 stars). 3 submissions from 3 submitters: Uncertain significance (2); Likely benign (1). Last evaluated 2024-09-11.

Conditions:
Inborn genetic diseases. Identifiers: MedGen C0950123, MeSH D030342.
Cerebellar-facial-dental syndrome. Also called: Cerebellofaciodental syndrome. Identifiers: Orphanet 444072, MedGen C4015495, MONDO:0014529, OMIM 616202.

Allele frequency attached by ClinVar (database versions not stated): TOPMed 0.00010.
gnomAD v4.1: 103 of 1,613,292 alleles (0.0064%); highest among the groups gnomAD compares: Admixed American, 0.078%; no homozygotes.

Submissions (3):

GeneDx
Classification: Uncertain significance. Last evaluated: 2024-09-11. Review status: criteria provided, single submitter. Criteria: GeneDx Variant Classification Process June 2021. Collection method: clinical testing. Allele origin: germline. Affected: yes.
Comment: In silico analysis supports that this missense variant has a deleterious effect on protein structure/function; Has not been previously published as pathogenic or benign in association with neurodevelopmental disorders to our knowledge; This variant is associated with the following publications: (PMID: 34426522, 28912018)

Ambry Genetics
Classification: Likely benign for Inborn genetic diseases. Last evaluated: 2021-03-17. Review status: criteria provided, single submitter. Criteria: Ambry Variant Classification Scheme 2023. Collection method: clinical testing. Allele origin: germline.

Baylor Genetics
Classification: Uncertain significance for Cerebellar-facial-dental syndrome. Last evaluated: 2019-04-12. Review status: criteria provided, single submitter. Criteria: ACMG Guidelines, 2015. Collection method: clinical testing. Allele origin: paternal. Affected: yes.
Comment: This variant was determined to be of uncertain significance according to ACMG Guidelines, 2015 [PMID:25741868].

NM_001519.4(BRF1):c.1714C>G (p.Arg572Gly)

Gene: BRF1 (BRF1 general transcription factor IIIB subunit; minus strand). Cytogenetic location: 14q32.33.
Variant type: single nucleotide variant.
Coding change: c.1714C>G on transcript NM_001519.4 (MANE Select); coding-DNA position 1714, C replaced by G.
Protein change: p.Arg572Gly; replaces arginine 572 with glycine.
Molecular consequence: missense variant.
Genome position (GRCh38, 1-based): chr14:105,217,602, G>C on the plus strand (C>G on the coding strand, the complement: BRF1 is on the minus strand). VCF-style: chr14-105217602-G-C. GRCh37 (hg19) VCF-style: chr14-105683939-G-C.
Other names: c.1435C>G, p.Arg479Gly (NM_001242786.2); c.1369C>G, p.Arg457Gly (NM_001242787.2); c.1633C>G, p.Arg545Gly (NM_001242788.2); c.1000C>G, p.Arg334Gly (NM_001242789.2); c.1102C>G, p.Arg368Gly (NM_145685.3); short protein forms R334G, R457G, R572G, R368G, R479G, R545G.
Identifiers: ClinVar variation 1027934 (VCV001027934.4), dbSNP rs770411283, ClinGen allele CA7387025.